The following is an entry in ClinVar:

NM_000540.3(RYR1):c.2657T>C (p.Ile886Thr)

Gene: RYR1 (ryanodine receptor 1; plus strand). Cytogenetic location: 19q13.2.
Variant type: single nucleotide variant.
Coding change: c.2657T>C on transcript NM_000540.3 (MANE Select); coding-DNA position 2657, T replaced by C.
Protein change: p.Ile886Thr; replaces isoleucine 886 with threonine.
Molecular consequence: missense variant.
Genome position (GRCh38, 1-based): chr19:38,463,502, T>C. VCF-style: chr19-38463502-T-C. GRCh37 (hg19) VCF-style: chr19-38954142-T-C.
Other names: c.2657T>C, p.Ile886Thr (NM_001042723.2); short protein forms I886T.
Identifiers: ClinVar variation 3387670 (VCV003387670.2).
Genomic context (GRCh38, chr19:38,463,502, plus strand): 5'-TGGAGCGCATTCGGGAGAAGCTGGCGGAGAACATCCACGAGCTCTGGGCGCTAACCCGCA[T>C]CGAGCAGGGCTGGACCTACGGCCCGGTGAGGGGCTGCCTGCAGCCTGCGGGAGGCCGGCT-3'
Protein context (NP_000531.2, residues 876-896): NIHELWALTR[Ile886Thr]EQGWTYGPVR

ClinVar aggregate classification (germline): Uncertain significance. Review status: criteria provided, multiple submitters, no conflicts (2 of 4 stars). 3 submissions from 3 submitters: Uncertain significance (3). Last evaluated 2026-01-08.

Conditions:
Malignant hyperthermia, susceptibility to, 1 (MHS1). Also called: Anesthesia related hyperthermia; Malignant hyperpyrexia; Fulminating hyperpyrexia; Pharmacogenic myopathy; RYR1-Related Malignant Hyperthermia Susceptibility; Malignant hyperthermia suceptibility 1. Identifiers: Orphanet 423, MedGen C2930980, MONDO:0007783, OMIM 145600.
RYR1-related disorder. Also called: RYR1-related disorders; RYR1-related condition. Identifiers: MedGen CN239331.

Submissions (3):

Labcorp Genetics (formerly Invitae), Labcorp
Classification: Uncertain significance for RYR1-related disorder. Last evaluated: 2026-01-08. Review status: criteria provided, single submitter. Criteria: Invitae Variant Classification Sherloc (09022015). Collection method: clinical testing. Allele origin: germline.
Comment: This sequence change replaces isoleucine, which is neutral and non-polar, with threonine, which is neutral and polar, at codon 886 of the RYR1 protein (p.Ile886Thr). This variant is not present in population databases (gnomAD no frequency). This variant has not been reported in the literature in individuals affected with RYR1-related conditions. ClinVar contains an entry for this variant (Variation ID: 3387670). Invitae Evidence Modeling of protein sequence and biophysical properties (such as structural, functional, and spatial information, amino acid conservation, physicochemical variation, residue mobility, and thermodynamic stability) has been performed for this missense variant. However, the output from this modeling did not meet the statistical confidence thresholds required to predict the impact of this variant on RYR1 protein function. In summary, the available evidence is currently insufficient to determine the role of this variant in disease. Therefore, it has been classified as a Variant of Uncertain Significance.

All of Us Research Program, National Institutes of Health
Classification: Uncertain significance for Malignant hyperthermia, susceptibility to, 1. Last evaluated: 2024-08-23. Review status: criteria provided, single submitter. Criteria: ACMG Guidelines, 2015. Collection method: clinical testing. Allele origin: germline. Inheritance: Autosomal dominant inheritance. Observed: 1 variant allele, 1 heterozygote.
Comment: This missense variant replaces isoleucine with threonine at codon 886 of the RYR1 protein. Computational prediction suggests that this variant may have deleterious impact on protein structure and function (internally defined REVEL score threshold >= 0.7, PMID: 27666373). To our knowledge, functional studies have not been reported for this variant. This variant has not been reported in individuals affected with RYR1-related disorders in the literature. This variant has not been identified in the general population by the Genome Aggregation Database (gnomAD). The available evidence is insufficient to determine the role of this variant in disease conclusively. Therefore, this variant is classified as a Variant of Uncertain Significance.

This study involves interpretation of variants in research participants for the purpose of population health screening. Participant phenotype was not available at the time of variant classification. Additional details can be found in publication PMID: 35346344, PMCID: PMC8962531

Color Diagnostics, LLC DBA Color Health
Classification: Uncertain significance for Malignant hyperthermia, susceptibility to, 1. Last evaluated: 2024-08-13. Review status: criteria provided, single submitter. Criteria: ACMG Guidelines, 2015. Collection method: clinical testing. Allele origin: germline.
Comment: This missense variant replaces isoleucine with threonine at codon 886 of the RYR1 protein. Computational prediction suggests that this variant may have deleterious impact on protein structure and function. To our knowledge, functional studies have not been reported for this variant. This variant has not been reported in individuals affected with RYR1-related disorders in the literature. This variant has not been identified in the general population by the Genome Aggregation Database (gnomAD). The available evidence is insufficient to determine the role of this variant in disease conclusively. Therefore, this variant is classified as a Variant of Uncertain Significance.